The following is an entry in ClinVar:

ClinVar aggregate classification (germline): Benign/Likely benign. Review status: criteria provided, multiple submitters, no conflicts (2 of 4 stars). 7 submissions from 7 submitters: Benign (1); Likely benign (4). 2 of the submissions do not count toward it. Last evaluated 2026-02-03.

Conditions:
POT1-related disorder. Also called: POT1-related condition.
Tumor predisposition syndrome 3 (TPDS3). Also called: Melanoma, cutaneous malignant, susceptibility to, 10; Glioma susceptibility 9; LONG TELOMERE SYNDROME, POT1-RELATED; POT1 Tumor Predisposition. Identifiers: Orphanet 618, MedGen C4014476, MONDO:0014368, OMIM 615848.
Hereditary cancer-predisposing syndrome. Also called: Tumor predisposition; Hereditary Cancer Syndrome; Neoplastic Syndromes, Hereditary; Hereditary neoplastic syndrome. Identifiers: Orphanet 140162, MedGen C0027672, MeSH D009386, MONDO:0015356.

Allele frequency attached by ClinVar (database versions not stated): TOPMed 0.00095; gnomAD 0.00105 and 0.00106; ESP Exome Variant Server 0.00146; 1000 Genomes Project 0.00220; 1000 Genomes Project 30x 0.00265.
gnomAD v4.1: 318 of 1,613,460 alleles (0.02%); highest among the groups gnomAD compares: African/African-American, 0.35%; no homozygotes.

Submissions (7):

Labcorp Genetics (formerly Invitae), Labcorp
Classification: Benign for Tumor predisposition syndrome 3. Last evaluated: 2026-02-03. Review status: criteria provided, single submitter. Criteria: Invitae Variant Classification Sherloc (09022015). Collection method: clinical testing. Allele origin: germline.

Blueprint Genetics
Classification: Likely benign. Last evaluated: 2024-03-26. Review status: criteria provided, single submitter. Criteria: ACMG Guidelines, 2015. Collection method: clinical testing. Allele origin: germline.

GeneDx
Classification: Likely benign. Last evaluated: 2021-11-15. Review status: criteria provided, single submitter. Criteria: GeneDx Variant Classification Process June 2021. Collection method: clinical testing. Allele origin: germline. Affected: yes.

Sema4
Classification: Likely benign for Hereditary cancer-predisposing syndrome. Last evaluated: 2021-03-26. Review status: criteria provided, single submitter. Criteria: Sema4 Curation Guidelines. Collection method: curation. Allele origin: germline.

Ambry Genetics
Classification: Likely benign for Hereditary cancer-predisposing syndrome. Last evaluated: 2017-02-09. Review status: criteria provided, single submitter. Criteria: Ambry Variant Classification Scheme 2023. Collection method: clinical testing. Allele origin: germline.

Genetic Services Laboratory, University of Chicago
Classification: Likely benign. Last evaluated: 2022-08-12. Review status: no assertion criteria provided. Collection method: clinical testing. Allele origin: germline. Affected: no. Not counted in ClinVar's aggregate classification.

PreventionGenetics, part of Exact Sciences
Classification: Likely benign for POT1-related condition. Last evaluated: 2019-05-01. Review status: no assertion criteria provided. Collection method: clinical testing. Allele origin: germline. Not counted in ClinVar's aggregate classification.
Comment: This variant is classified as likely benign based on ACMG/AMP sequence variant interpretation guidelines (Richards et al. 2015 PMID: 25741868, with internal and published modifications).

NM_015450.3(POT1):c.828G>A (p.Arg276=)

Gene: POT1 (protection of telomeres 1; minus strand). Cytogenetic location: 7q31.33.
Variant type: single nucleotide variant.
Coding change: c.828G>A on transcript NM_015450.3 (MANE Select); coding-DNA position 828, G replaced by A.
Protein change: p.Arg276=; no amino-acid change (arginine 276 retained).
Molecular consequence: synonymous variant. On other transcripts: non-coding transcript variant (3).
Genome position (GRCh38, 1-based): chr7:124,853,013, C>T on the plus strand (G>A on the coding strand, the complement: POT1 is on the minus strand). VCF-style: chr7-124853013-C-T. GRCh37 (hg19) VCF-style: chr7-124493067-C-T.
Other names: c.435G>A, p.Arg145= (NM_001042594.2).
Identifiers: ClinVar variation 475106 (VCV000475106.26), dbSNP rs76496261, ClinGen allele CA4465350.
Genomic context (GRCh38, chr7:124,853,013, plus strand): 5'-CTAAATACTAAAAGCTTACTTTTTCAGTTGATCCACATCAGAGTTACTTTCTGGCAAGAC[C>T]CTGATTCCCCGACCGTAACTGGTACCTCCATGAAGATGAAACTCTAAACTTAACATTGTC-3'
Protein context (NP_056265.2, residues 266-286): HGGTSYGRGI[Arg276=]VLPESNSDVD